The following is an entry in ClinVar:

ClinVar aggregate classification (germline): Uncertain significance (1 of 4 stars; one submission).

Allele frequency attached by ClinVar (database versions not stated): gnomAD exomes 0.00001; TOPMed 0.00002.
gnomAD v4.1: 19 of 1,612,204 alleles (0.0012%); highest among the groups gnomAD compares: South Asian, 0.0033%; no homozygotes.

Submission:

GeneDx
Classification: Uncertain significance. Last evaluated: 2017-06-01. Review status: criteria provided, single submitter. Criteria: GeneDx Variant Classification (06012015). Collection method: clinical testing. Allele origin: germline. Affected: yes.
Comment: The R839H variant in the LRBA gene has not been reported previously as a pathogenic variant, nor as a benign variant, to our knowledge. The R839H variant is not observed in large population cohorts (Lek et al., 2016; 1000 Genomes Consortium et al., 2015; Exome Variant Server). The R839H variant is a conservative amino acid substitution, which is not likely to impact secondary protein structure as these residues share similar properties. This substitution occurs at a position where amino acids with similar properties to Arginine are tolerated across species. In silico analysis predicts this variant is probably damaging to the protein structure/function. We interpret R839H as a variant of uncertain significance.

NM_001364905.1(LRBA):c.2516G>A (p.Arg839His)

Gene: LRBA (LPS responsive beige-like anchor protein; minus strand). Cytogenetic location: 4q31.3.
Variant type: single nucleotide variant.
Coding change: c.2516G>A on transcript NM_001364905.1 (MANE Select); coding-DNA position 2516, G replaced by A.
Protein change: p.Arg839His; replaces arginine 839 with histidine.
Molecular consequence: missense variant.
Genome position (GRCh38, 1-based): chr4:150,868,239, C>T on the plus strand (G>A on the coding strand, the complement: LRBA is on the minus strand). VCF-style: chr4-150868239-C-T. GRCh37 (hg19) VCF-style: chr4-151789391-C-T.
Other names: c.2516G>A, p.Arg839His (NM_001199282.3, NM_001367550.1, NM_006726.5); short protein forms R839H.
Identifiers: ClinVar variation 432310 (VCV000432310.2), dbSNP rs1022511990, ClinGen allele CA107831272.